The following is an entry in ClinVar:

ClinVar aggregate classification (germline): Uncertain significance. Review status: criteria provided, multiple submitters, no conflicts (2 of 4 stars). 2 submissions from 2 submitters: Uncertain significance (2). Last evaluated 2023-05-09.

Conditions:
Nephronophthisis 14 (NPHP14). Identifiers: Orphanet 2318, MedGen C3539071, MONDO:0013916, OMIM 614844.

Allele frequency attached by ClinVar (database versions not stated): gnomAD exomes below 0.00001 and 0.00001; TOPMed below 0.00001; ExAC 0.00002.
gnomAD v4.1: 7 of 1,614,190 alleles (0.00043%); highest among the groups gnomAD compares: Non-Finnish European, 0.00042%; no homozygotes.

Submissions (2):

Ambry Genetics
Classification: Uncertain significance. Last evaluated: 2023-05-09. Review status: criteria provided, single submitter. Criteria: Ambry Variant Classification Scheme 2023. Collection method: clinical testing. Allele origin: germline.

Labcorp Genetics (formerly Invitae), Labcorp
Classification: Uncertain significance for Nephronophthisis 14. Last evaluated: 2021-02-05. Review status: criteria provided, single submitter. Criteria: Invitae Variant Classification Sherloc (09022015). Collection method: clinical testing. Allele origin: germline.
Comment: In summary, the available evidence is currently insufficient to determine the role of this variant in disease. Therefore, it has been classified as a Variant of Uncertain Significance. Algorithms developed to predict the effect of missense changes on protein structure and function (SIFT, PolyPhen-2, Align-GVGD) all suggest that this variant is likely to be tolerated, but these predictions have not been confirmed by published functional studies and their clinical significance is uncertain. This variant has not been reported in the literature in individuals with ZNF423-related conditions. This variant is present in population databases (rs762299767, ExAC 0.01%). This sequence change replaces aspartic acid with asparagine at codon 609 of the ZNF423 protein (p.Asp609Asn). The aspartic acid residue is highly conserved and there is a small physicochemical difference between aspartic acid and asparagine.

NM_001379286.1(ZNF423):c.1849G>A (p.Asp617Asn)

Gene: ZNF423 (zinc finger protein 423; minus strand). Cytogenetic location: 16q12.1.
Variant type: single nucleotide variant.
Coding change: c.1849G>A on transcript NM_001379286.1 (MANE Select); coding-DNA position 1849, G replaced by A.
Protein change: p.Asp617Asn; replaces aspartic acid 617 with asparagine.
Molecular consequence: missense variant.
Genome position (GRCh38, 1-based): chr16:49,637,327, C>T on the plus strand (G>A on the coding strand, the complement: ZNF423 is on the minus strand). VCF-style: chr16-49637327-C-T. GRCh37 (hg19) VCF-style: chr16-49671238-C-T.
Other names: c.1645G>A, p.Asp549Asn (NM_001271620.2); c.1474G>A, p.Asp492Asn (NM_001330533.2); c.1825G>A, p.Asp609Asn (NM_015069.5); c.1825G>A (NM_015069.2); short protein forms D609N, D492N, D549N, D617N.
Identifiers: ClinVar variation 1407180 (VCV001407180.7), dbSNP rs762299767, ClinGen allele CA8046620.